The following is an entry in ClinVar:

NM_005422.4(TECTA):c.4180C>A (p.Leu1394Met)

Genes: TBCEL-TECTA (TBCEL-TECTA readthrough; plus strand), TECTA (tectorin alpha; plus strand). Cytogenetic location: 11q23.3.
Variant type: single nucleotide variant.
Coding change: c.4180C>A on transcript NM_005422.4 (MANE Select); coding-DNA position 4180, C replaced by A.
Protein change: p.Leu1394Met; replaces leucine 1394 with methionine.
Molecular consequence: missense variant.
Genome position (GRCh38, 1-based): chr11:121,152,955, C>A. VCF-style: chr11-121152955-C-A. GRCh37 (hg19) VCF-style: chr11-121023664-C-A.
Other names: c.5137C>A, p.Leu1713Met (NM_001378761.1); short protein forms L1394M, L1713M.
Identifiers: ClinVar variation 1314648 (VCV001314648.10), dbSNP rs776389341, ClinGen allele CA6327383.

ClinVar aggregate classification (germline): Uncertain significance. Review status: criteria provided, multiple submitters, no conflicts (2 of 4 stars). 3 submissions from 3 submitters: Uncertain significance (3). Last evaluated 2025-05-21.

Conditions:
Autosomal dominant nonsyndromic hearing loss 12. Also called: DEAFNESS, AUTOSOMAL DOMINANT 8. Identifiers: Orphanet 90635, MedGen C1832187, MONDO:0011102, OMIM 601543.
Autosomal recessive nonsyndromic hearing loss 21. Identifiers: Orphanet 90636, MedGen C1863655, MONDO:0011351, OMIM 603629.
Inborn genetic diseases. Identifiers: MedGen C0950123, MeSH D030342.

Allele frequency attached by ClinVar (database versions not stated): gnomAD exomes 0.00002 and 0.00009; ExAC 0.00003; gnomAD 0.00003 and 0.00004; TOPMed 0.00005.
gnomAD v4.1: 137 of 1,613,940 alleles (0.0085%); highest among the groups gnomAD compares: Non-Finnish European, 0.011%; no homozygotes.

Submissions (3):

Ambry Genetics
Classification: Uncertain significance for Inborn genetic diseases. Last evaluated: 2025-05-21. Review status: criteria provided, single submitter. Criteria: Ambry Variant Classification Scheme 2023. Collection method: clinical testing. Allele origin: germline.

Labcorp Genetics (formerly Invitae), Labcorp
Classification: Uncertain significance. Last evaluated: 2023-12-13. Review status: criteria provided, single submitter. Criteria: Invitae Variant Classification Sherloc (09022015). Collection method: clinical testing. Allele origin: germline.
Comment: This sequence change replaces leucine, which is neutral and non-polar, with methionine, which is neutral and non-polar, at codon 1394 of the TECTA protein (p.Leu1394Met). This variant is present in population databases (rs776389341, gnomAD 0.005%). This variant has not been reported in the literature in individuals affected with TECTA-related conditions. ClinVar contains an entry for this variant (Variation ID: 1314648). Advanced modeling of protein sequence and biophysical properties (such as structural, functional, and spatial information, amino acid conservation, physicochemical variation, residue mobility, and thermodynamic stability) performed at Invitae indicates that this missense variant is not expected to disrupt TECTA protein function with a negative predictive value of 95%. In summary, the available evidence is currently insufficient to determine the role of this variant in disease. Therefore, it has been classified as a Variant of Uncertain Significance.

GeneDx
Classification: Uncertain significance. Last evaluated: 2022-11-08. Review status: criteria provided, single submitter. Criteria: GeneDx Variant Classification Process June 2021. Collection method: clinical testing. Allele origin: germline. Affected: yes.
Comment: In silico analysis supports that this missense variant does not alter protein structure/function; Has not been previously published as pathogenic or benign to our knowledge